The following is an entry in ClinVar:

NM_006017.3(PROM1):c.631C>T (p.Gln211Ter)

Gene: PROM1 (prominin 1; minus strand). Cytogenetic location: 4p15.32.
Variant type: single nucleotide variant.
Coding change: c.631C>T on transcript NM_006017.3 (MANE Select); coding-DNA position 631, C replaced by T.
Protein change: p.Gln211Ter; replaces glutamine 211 with a stop codon.
Molecular consequence: nonsense.
Genome position (GRCh38, 1-based): chr4:16,024,358, G>A on the plus strand (C>T on the coding strand, the complement: PROM1 is on the minus strand). VCF-style: chr4-16024358-G-A. GRCh37 (hg19) VCF-style: chr4-16025981-G-A.
Other names: c.604C>T, p.Gln202Ter (NM_001145847.2, NM_001145848.2, NM_001145851.2 and 4 more transcripts); c.631C>T, p.Gln211Ter (NM_001145849.2, NM_001145850.2); short protein forms Q202*, Q211*.
Identifiers: ClinVar variation 1451427 (VCV001451427.6), dbSNP rs1730695660, ClinGen allele CA356424202.

ClinVar aggregate classification (germline): Pathogenic (1 of 4 stars; one submission).

Allele frequency attached by ClinVar (database versions not stated): gnomAD exomes below 0.00001; TOPMed below 0.00001.

Submission:

Labcorp Genetics (formerly Invitae), Labcorp
Classification: Pathogenic. Last evaluated: 2024-12-04. Review status: criteria provided, single submitter. Criteria: Invitae Variant Classification Sherloc (09022015). Collection method: clinical testing. Allele origin: germline.
Comment: This sequence change creates a premature translational stop signal (p.Gln211*) in the PROM1 gene. It is expected to result in an absent or disrupted protein product. Loss-of-function variants in PROM1 are known to be pathogenic (PMID: 17605048, 19718270, 24154662, 25474345). This variant is not present in population databases (gnomAD no frequency). This variant has not been reported in the literature in individuals affected with PROM1-related conditions. ClinVar contains an entry for this variant (Variation ID: 1451427). Algorithms developed to predict the effect of sequence changes on RNA splicing suggest that this variant may disrupt the consensus splice site. For these reasons, this variant has been classified as Pathogenic.

Literature cited by the submitters: PubMed 17605048; PubMed 19718270; PubMed 24154662; PubMed 25474345.